The following is an entry in ClinVar:

ClinVar aggregate classification (germline): Uncertain significance (1 of 4 stars; one submission).

Allele frequency attached by ClinVar (database versions not stated): gnomAD 0.00001.
gnomAD v4.1: 1 of 1,614,124 alleles (0.000062%); highest among the groups gnomAD compares: African/African-American, 0.0013%; no homozygotes.

Submission:

Labcorp Genetics (formerly Invitae), Labcorp
Classification: Uncertain significance. Last evaluated: 2021-09-26. Review status: criteria provided, single submitter. Criteria: Invitae Variant Classification Sherloc (09022015). Collection method: clinical testing. Allele origin: germline.
Comment: In summary, the available evidence is currently insufficient to determine the role of this variant in disease. Therefore, it has been classified as a Variant of Uncertain Significance. Algorithms developed to predict the effect of missense changes on protein structure and function (SIFT, PolyPhen-2, Align-GVGD) all suggest that this variant is likely to be tolerated. This variant has not been reported in the literature in individuals affected with CDC45-related conditions. This variant is not present in population databases (ExAC no frequency). This sequence change replaces histidine with aspartic acid at codon 401 of the CDC45 protein (p.His401Asp). The histidine residue is moderately conserved and there is a moderate physicochemical difference between histidine and aspartic acid.

NM_003504.5(CDC45):c.1105C>G (p.His369Asp)

Gene: CDC45 (cell division cycle 45; plus strand). Cytogenetic location: 22q11.21.
Variant type: single nucleotide variant.
Coding change: c.1105C>G on transcript NM_003504.5 (MANE Select); coding-DNA position 1105, C replaced by G.
Protein change: p.His369Asp; replaces histidine 369 with aspartic acid.
Molecular consequence: missense variant. On other transcripts: non-coding transcript variant (1).
Genome position (GRCh38, 1-based): chr22:19,508,579, C>G. VCF-style: chr22-19508579-C-G. GRCh37 (hg19) VCF-style: chr22-19496102-C-G.
Other names: c.1201C>G, p.His401Asp (NM_001178010.2); c.967C>G, p.His323Asp (NM_001178011.2); c.1069C>G, p.His357Asp (NM_001369291.1); short protein forms H323D, H357D, H369D, H401D.
Identifiers: ClinVar variation 1491417 (VCV001491417.6), dbSNP rs1860854970, ClinGen allele CA410667567.